The following is an entry in ClinVar:

NM_000082.4(ERCC8):c.802C>T (p.Arg268Ter)

Gene: ERCC8 (ERCC excision repair 8, CSA ubiquitin ligase complex subunit; minus strand). Cytogenetic location: 5q12.1.
Variant type: single nucleotide variant.
Coding change: c.802C>T on transcript NM_000082.4 (MANE Select); coding-DNA position 802, C replaced by T.
Protein change: p.Arg268Ter; replaces arginine 268 with a stop codon.
Molecular consequence: nonsense.
Genome position (GRCh38, 1-based): chr5:60,898,317, G>A on the plus strand (C>T on the coding strand, the complement: ERCC8 is on the minus strand). VCF-style: chr5-60898317-G-A. GRCh37 (hg19) VCF-style: chr5-60194144-G-A.
Other names: c.628C>T, p.Arg210Ter (NM_001007233.3); c.343C>T, p.Arg115Ter (NM_001290285.2); short protein forms R115*, R210*, R268*.
Identifiers: ClinVar variation 838966 (VCV000838966.13), dbSNP rs370657735, ClinGen allele CA3277709.

ClinVar aggregate classification (germline): Pathogenic/Likely pathogenic. Review status: criteria provided, multiple submitters, no conflicts (2 of 4 stars). 4 submissions from 4 submitters: Pathogenic (2); Likely pathogenic (1). 1 of the submissions does not count toward it. Last evaluated 2025-10-20.

Conditions:
Cockayne syndrome type 1. Also called: Cockayne syndrome type I; Cockayne syndrome classical; Cockayne syndrome classic form. Identifiers: Orphanet 191, Orphanet 90321, MedGen C0751039, MONDO:0019569, OMIM 216400.
UV-sensitive syndrome 2 (UVSS2). Identifiers: Orphanet 178338, MedGen C3553298, MONDO:0013829, OMIM 614621.
Cockayne syndrome. Identifiers: Orphanet 191, MedGen C0009207, MONDO:0016006.

Allele frequency attached by ClinVar (database versions not stated): gnomAD exomes below 0.00001 and 0.00001; ExAC 0.00001; gnomAD 0.00001; TOPMed 0.00002; ESP Exome Variant Server 0.00008.
gnomAD v4.1: 15 of 1,613,426 alleles (0.00093%); highest among the groups gnomAD compares: African/African-American, 0.0027%; no homozygotes.

Submissions (4):

Labcorp Genetics (formerly Invitae), Labcorp
Classification: Pathogenic. Last evaluated: 2025-10-20. Review status: criteria provided, single submitter. Criteria: Invitae Variant Classification Sherloc (09022015). Collection method: clinical testing. Allele origin: germline.
Comment: This sequence change creates a premature translational stop signal (p.Arg268*) in the ERCC8 gene. It is expected to result in an absent or disrupted protein product. Loss-of-function variants in ERCC8 are known to be pathogenic (PMID: 29572252). This variant is present in population databases (rs370657735, gnomAD 0.007%). This premature translational stop signal has been observed in individual(s) with Cockayne syndrome (PMID: 29572252). ClinVar contains an entry for this variant (Variation ID: 838966). For these reasons, this variant has been classified as Pathogenic.

Women's Health and Genetics/Laboratory Corporation of America, LabCorp
Classification: Likely pathogenic for Cockayne syndrome. Last evaluated: 2023-03-30. Review status: criteria provided, single submitter. Criteria: LabCorp Variant Classification Summary - May 2015. Collection method: clinical testing. Allele origin: germline.
Comment: Variant summary: ERCC8 c.802C>T (p.Arg268X) results in a premature termination codon, predicted to cause a truncation of the encoded protein or absence of the protein due to nonsense mediated decay, which are commonly known mechanisms for disease. Truncations downstream of this position have been classified as pathogenic in ClinVar. The variant allele was found at a frequency of 4e-06 in 251186 control chromosomes (gnomAD). c.802C>T has been reported in the literature in at least one individual affected with Cockayne Syndrome (Calmels_2018). These data indicate that the variant is very likely to be associated with disease. To our knowledge, no experimental evidence demonstrating an impact on protein function has been reported. Two ClinVar submitters (evaluation after 2014) cite this variant as pathogenic. Based on the evidence outlined above, the variant was classified as likely pathogenic.

Fulgent Genetics
Classification: Pathogenic for Cockayne syndrome type 1; UV-sensitive syndrome 2. Last evaluated: 2022-01-20. Review status: criteria provided, single submitter. Criteria: ACMG Guidelines, 2015. Collection method: clinical testing. Allele origin: unknown.

Genomics England Pilot Project, Genomics England
Classification: Pathogenic for Cockayne syndrome type 1. Review status: no assertion criteria provided. Criteria: ACGS Guidelines, 2016. Collection method: clinical testing. Allele origin: germline. Affected: yes. Not counted in ClinVar's aggregate classification.

Literature cited by the submitters: PubMed 29572252 (cited by Labcorp Genetics (formerly Invitae), Labcorp and Women's Health and Genetics/Laboratory Corporation of America, LabCorp); PubMed 30871974 (cited by Women's Health and Genetics/Laboratory Corporation of America, LabCorp); PubMed 32453336 (cited by Women's Health and Genetics/Laboratory Corporation of America, LabCorp); PubMed 34758253 (cited by Women's Health and Genetics/Laboratory Corporation of America, LabCorp); PubMed 34461059 (cited by Women's Health and Genetics/Laboratory Corporation of America, LabCorp).